The following is an entry in ClinVar:

NM_001042492.3(NF1):c.3871-14G>A

Gene: NF1 (neurofibromin 1; plus strand). Cytogenetic location: 17q11.2.
Variant type: single nucleotide variant.
Coding change: c.3871-14G>A on transcript NM_001042492.3 (MANE Select); 14 bases into the intron before coding-DNA position 3871, G replaced by A.
Molecular consequence: intron variant.
Genome position (GRCh38, 1-based): chr17:31,235,904, G>A. VCF-style: chr17-31235904-G-A. GRCh37 (hg19) VCF-style: chr17-29562922-G-A.
Other names: c.3871-14G>A (NM_000267.4).
Identifiers: ClinVar variation 1372321 (VCV001372321.11), dbSNP rs371895592, ClinGen allele CA8486263.

ClinVar aggregate classification (germline): Likely benign. Review status: criteria provided, multiple submitters, no conflicts (2 of 4 stars). 3 submissions from 3 submitters: Likely benign (3). Last evaluated 2026-05-12.

Conditions:
Neurofibromatosis, type 1 (NF1). Also called: Peripheral type neurofibromatosis; NEUROFIBROMATOSIS, TYPE I, SOMATIC; VON RECKLINGHAUSEN DISEASE; Neurofibromatosis, type I. Identifiers: Orphanet 636, MedGen C0027831, MONDO:0018975, OMIM 162200. Disease mechanism: loss of function.

Allele frequency attached by ClinVar (database versions not stated): ExAC 0.00002; gnomAD exomes 0.00003.
gnomAD v4.1: 48 of 1,610,250 alleles (0.003%); highest among the groups gnomAD compares: Middle Eastern, 0.016%; no homozygotes.

Submissions (3):

Myriad Genetics, Inc.
Classification: Likely benign for Neurofibromatosis, type 1. Last evaluated: 2026-05-12. Review status: criteria provided, single submitter. Criteria: Myriad Autosomal Dominant, Autosomal Recessive and X-Linked Classification Criteria (2023). Collection method: clinical testing. Allele origin: unknown.
Comment: This variant is considered likely benign. This variant is intronic and is not expected to impact mRNA splicing.

Labcorp Genetics (formerly Invitae), Labcorp
Classification: Likely benign for Neurofibromatosis, type 1. Last evaluated: 2026-01-18. Review status: criteria provided, single submitter. Criteria: Invitae Variant Classification Sherloc (09022015). Collection method: clinical testing. Allele origin: germline.

Women's Health and Genetics/Laboratory Corporation of America, LabCorp
Classification: Likely benign. Last evaluated: 2025-02-18. Review status: criteria provided, single submitter. Criteria: LabCorp Variant Classification Summary - May 2015. Collection method: clinical testing. Allele origin: germline.
Comment: Variant summary: NF1 c.3871-14G>A alters a non-conserved nucleotide located at a position not widely known to affect splicing. Consensus agreement among computation tools predict no significant impact on normal splicing. However, these predictions have yet to be confirmed by functional studies. The variant allele was found at a frequency of 3.2e-05 in 251374 control chromosomes (gnomAD). The available data on variant occurrences in the general population are insufficient to allow any conclusion about variant significance. To our knowledge, no occurrence of c.3871-14G>A in individuals affected with Neurofibromatosis Type 1 and no experimental evidence demonstrating its impact on protein function have been reported. ClinVar contains an entry for this variant (Variation ID: 1372321). Based on the evidence outlined above, the variant was classified as likely benign.

Literature cited by the submitters: PubMed 10678181 (cited by Women's Health and Genetics/Laboratory Corporation of America, LabCorp); PubMed 23460398 (cited by Women's Health and Genetics/Laboratory Corporation of America, LabCorp); PubMed 29872168 (cited by Women's Health and Genetics/Laboratory Corporation of America, LabCorp); PubMed 27069254 (cited by Women's Health and Genetics/Laboratory Corporation of America, LabCorp).